The following is an entry in ClinVar:

ClinVar aggregate classification (germline): Pathogenic (1 of 4 stars; one submission).

Conditions:
Hypertrophic cardiomyopathy. Also called: HYPERTROPHIC MYOCARDIOPATHY. Identifiers: Orphanet 217569, MedGen C0007194, MeSH D002312, MONDO:0005045, HP:0001639.

Submission:

Labcorp Genetics (formerly Invitae), Labcorp
Classification: Pathogenic for Hypertrophic cardiomyopathy. Last evaluated: 2024-04-17. Review status: criteria provided, single submitter. Criteria: Invitae Variant Classification Sherloc (09022015). Collection method: clinical testing. Allele origin: germline.
Comment: This sequence change creates a premature translational stop signal (p.Pro33Argfs*17) in the TNNI3 gene. It is expected to result in an absent or disrupted protein product. Loss-of-function variants in TNNI3 are known to be pathogenic (PMID: 31568572, 34036930, 35838873). This variant is not present in population databases (gnomAD no frequency). This variant has not been reported in the literature in individuals affected with TNNI3-related conditions. ClinVar contains an entry for this variant (Variation ID: 2088003). For these reasons, this variant has been classified as Pathogenic.

Literature cited by the submitters: PubMed 31568572; PubMed 34036930; PubMed 35838873.

NM_000363.5(TNNI3):c.98del (p.Pro33fs)

Gene: TNNI3 (troponin I3, cardiac type; minus strand). Cytogenetic location: 19q13.42.
Variant type: Deletion.
Coding change: c.98del on transcript NM_000363.5 (MANE Select); coding-DNA position 98, one base deleted (C; older notation c.98delC).
Protein change: p.Pro33fs; shifts the reading frame from proline 33.
Molecular consequence: frameshift variant.
Genome position (GRCh38, 1-based): chr19:55,157,060, G deleted on the plus strand (C on the coding strand, the reverse complement: TNNI3 is on the minus strand); the first of 2 consecutive G bases (chr19:55,157,060-55,157,061); deleting either gives the same sequence. VCF-style (leftmost placement, unchanged base first): chr19-55157059-CG-C. GRCh37 (hg19) VCF-style: chr19-55668427-CG-C.
Other names: short protein forms P33fs.
Identifiers: ClinVar variation 2088003 (VCV002088003.4), dbSNP rs2515503651, ClinGen allele CA2580097820.
Genomic context (GRCh38, chr19:55,157,059, plus strand): 5'-TCTTGGATCCCTCCGGCGCCTGTACTCTGCCCCCAGGAAGCCCCGTCCCACCTTGGCGTG[CG>C]GCTCCGTGGCATAAGCGCGGTAGTTGGAGGAGCGGCGTCTGATTGGGGCTGGTGCAGGGC-3'